The following is an entry in ClinVar:

ClinVar aggregate classification (germline): Conflicting classifications of pathogenicity. Review status: criteria provided, conflicting classifications (1 of 4 stars). 3 submissions from 3 submitters: Likely pathogenic (1); Uncertain significance (2). Last evaluated 2025-09-17.

Conditions:
Normophosphatemic familial tumoral calcinosis. Also called: CALCINOSIS, TUMORAL, WITH NORMOPHOSPHATEMIA. Identifiers: Orphanet 306658, Orphanet 53715, MedGen C1864861, MONDO:0012502, OMIM 610455.

Submissions (3):

First Genomix Gene Laboratory, Genetic Diagnostics Department
Classification: Likely pathogenic for Normophosphatemic familial tumoral calcinosis. Last evaluated: 2025-09-17. Review status: criteria provided, single submitter. Criteria: ACMG Guidelines, 2015. Collection method: clinical testing. Allele origin: germline. Inheritance: Autosomal recessive inheritance. Affected: no. Observed: 1 variant allele.

Labcorp Genetics (formerly Invitae), Labcorp
Classification: Uncertain significance. Last evaluated: 2024-08-18. Review status: criteria provided, single submitter. Criteria: Invitae Variant Classification Sherloc (09022015). Collection method: clinical testing. Allele origin: germline.
Comment: This sequence change creates a premature translational stop signal (p.Thr425Lysfs*4) in the SAMD9 gene. While this is not anticipated to result in nonsense mediated decay, it is expected to disrupt the last 1165 amino acid(s) of the SAMD9 protein. This variant is present in population databases (rs773076868, gnomAD 0.03%). This variant has not been reported in the literature in individuals affected with SAMD9-related conditions. Experimental studies and prediction algorithms are not available or were not evaluated, and the functional significance of this variant is currently unknown. In summary, the available evidence is currently insufficient to determine the role of this variant in disease. Therefore, it has been classified as a Variant of Uncertain Significance.

GeneDx
Classification: Uncertain significance. Last evaluated: 2023-11-17. Review status: criteria provided, single submitter. Criteria: GeneDx Variant Classification Process June 2021. Collection method: clinical testing. Allele origin: germline. Affected: yes.
Comment: Frameshift variant predicted to result in protein truncation or nonsense mediated decay in a gene or region of a gene for which loss of function is not a well-established mechanism of disease; Has not been previously published as pathogenic or benign to our knowledge

NM_017654.4(SAMD9):c.1274del (p.Thr425fs)

Gene: SAMD9 (sterile alpha motif domain containing 9; minus strand). Cytogenetic location: 7q21.2.
Variant type: Deletion.
Coding change: c.1274del on transcript NM_017654.4 (MANE Select); coding-DNA position 1274, one base deleted (C; older notation c.1274delC).
Protein change: p.Thr425fs; shifts the reading frame from threonine 425.
Molecular consequence: frameshift variant.
Genome position (GRCh38, 1-based): chr7:93,104,824, G deleted on the plus strand (C on the coding strand, the reverse complement: SAMD9 is on the minus strand). VCF-style (leftmost placement, unchanged base first): chr7-93104823-TG-T. GRCh37 (hg19) VCF-style: chr7-92734136-TG-T.
Other names: c.1274del, p.Thr425fs (NM_001193307.2); short protein forms T425fs.
Identifiers: ClinVar variation 3340674 (VCV003340674.3).
Genomic context (GRCh38, chr7:93,104,823, plus strand): 5'-CTCAGGATCAAACTCCAATACAGCAAACCATTTAATTTCCTTCAGGAAATCTAAGTGTTT[TG>T]TTTGATCTGGGTGGCATTTATTTGTTACAAGAATGTACTGTTCATAGTATGAATTATCTA-3'